The following is an entry in ClinVar:

NM_006118.4(HAX1):c.14A>T (p.Asp5Val)

Gene: HAX1 (HCLS1 associated protein X-1; plus strand). Cytogenetic location: 1q21.3.
Variant type: single nucleotide variant.
Coding change: c.14A>T on transcript NM_006118.4 (MANE Select); coding-DNA position 14, A replaced by T.
Protein change: p.Asp5Val; replaces aspartic acid 5 with valine.
Molecular consequence: missense variant.
Genome position (GRCh38, 1-based): chr1:154,272,737, A>T. VCF-style: chr1-154272737-A-T. GRCh37 (hg19) VCF-style: chr1-154245213-A-T.
Other names: c.14A>T, p.Asp5Val (NM_001018837.2); short protein forms D5V.
Identifiers: ClinVar variation 4033829 (VCV004033829.1).
Genomic context (GRCh38, chr1:154,272,737, plus strand): 5'-CGAATGGACCACTGGAGGGGTTCAAAGGTTCGCGTCCCAGTACGGGAATGAGCCTCTTTG[A>T]TCTCTTCCGGGGCTTTTTCGGCTTTCCTGGACCTCGGAGGTGAGAGTAGGTCCGGCTCGG-3'
Protein context (NP_006109.2, residues 1-15): MSLF[Asp5Val]LFRGFFGFPG

ClinVar aggregate classification (germline): Uncertain significance (1 of 4 stars; one submission).

Conditions:
Inborn genetic diseases. Identifiers: MedGen C0950123, MeSH D030342.

Submission:

Ambry Genetics
Classification: Uncertain significance for Inborn genetic diseases. Last evaluated: 2025-03-20. Review status: criteria provided, single submitter. Criteria: Ambry Variant Classification Scheme 2023. Collection method: clinical testing. Allele origin: germline.
Comment: The p.D5V variant (also known as c.14A>T), located in coding exon 1 of the HAX1 gene, results from an A to T substitution at nucleotide position 14. The aspartic acid at codon 5 is replaced by valine, an amino acid with highly dissimilar properties. This amino acid position is conserved. In addition, this alteration is predicted to be deleterious by in silico analysis. Based on the available evidence, the clinical significance of this variant remains unclear.